The following is an entry in ClinVar:

NM_017654.4(SAMD9):c.166G>C (p.Asp56His)

Gene: SAMD9 (sterile alpha motif domain containing 9; minus strand). Cytogenetic location: 7q21.2.
Variant type: single nucleotide variant.
Coding change: c.166G>C on transcript NM_017654.4 (MANE Select); coding-DNA position 166, G replaced by C.
Protein change: p.Asp56His; replaces aspartic acid 56 with histidine.
Molecular consequence: missense variant.
Genome position (GRCh38, 1-based): chr7:93,105,932, C>G on the plus strand (G>C on the coding strand, the complement: SAMD9 is on the minus strand). VCF-style: chr7-93105932-C-G. GRCh37 (hg19) VCF-style: chr7-92735245-C-G.
Other names: c.166G>C, p.Asp56His (NM_001193307.2); short protein forms D56H.
Identifiers: ClinVar variation 3949512 (VCV003949512.1).

ClinVar aggregate classification (germline): Uncertain significance (1 of 4 stars; one submission).

Conditions:
Inborn genetic diseases. Identifiers: MedGen C0950123, MeSH D030342.

Submission:

Ambry Genetics
Classification: Uncertain significance for Inborn genetic diseases. Last evaluated: 2025-04-03. Review status: criteria provided, single submitter. Criteria: Ambry Variant Classification Scheme 2023. Collection method: clinical testing. Allele origin: germline.
Comment: The p.D56H variant (also known as c.166G>C), located in coding exon 1 of the SAMD9 gene, results from a G to C substitution at nucleotide position 166. The aspartic acid at codon 56 is replaced by histidine, an amino acid with similar properties. This amino acid position is conserved. In addition, this alteration is predicted to be tolerated by in silico analysis. Based on the available evidence, the clinical significance of this variant remains unclear.